The following is an entry in ClinVar:

ClinVar aggregate classification (germline): Uncertain significance (1 of 4 stars; one submission).

Conditions:
Charcot-Marie-Tooth disease type 2. Also called: Charcot-Marie-Tooth type 2. Identifiers: Orphanet 64746, MedGen C0270914, MONDO:0018993.

Allele frequency attached by ClinVar (database versions not stated): gnomAD exomes below 0.00001.
gnomAD v4.1: 6 of 1,614,110 alleles (0.00037%); highest among the groups gnomAD compares: Non-Finnish European, 0.00051%; no homozygotes.

Submission:

Labcorp Genetics (formerly Invitae), Labcorp
Classification: Uncertain significance for Charcot-Marie-Tooth disease type 2. Last evaluated: 2024-04-17. Review status: criteria provided, single submitter. Criteria: Invitae Variant Classification Sherloc (09022015). Collection method: clinical testing. Allele origin: germline.
Comment: This sequence change replaces valine, which is neutral and non-polar, with isoleucine, which is neutral and non-polar, at codon 95 of the MED25 protein (p.Val95Ile). This variant is not present in population databases (gnomAD no frequency). This variant has not been reported in the literature in individuals affected with MED25-related conditions. ClinVar contains an entry for this variant (Variation ID: 963657). An algorithm developed to predict the effect of missense changes on protein structure and function (PolyPhen-2) suggests that this variant is likely to be disruptive. In summary, the available evidence is currently insufficient to determine the role of this variant in disease. Therefore, it has been classified as a Variant of Uncertain Significance.

NM_030973.4(MED25):c.283G>A (p.Val95Ile)

Gene: MED25 (mediator complex subunit 25; plus strand). Cytogenetic location: 19q13.33.
Variant type: single nucleotide variant.
Coding change: c.283G>A on transcript NM_030973.4 (MANE Select); coding-DNA position 283, G replaced by A.
Protein change: p.Val95Ile; replaces valine 95 with isoleucine.
Molecular consequence: missense variant.
Genome position (GRCh38, 1-based): chr19:49,819,274, G>A. VCF-style: chr19-49819274-G-A. GRCh37 (hg19) VCF-style: chr19-50322531-G-A.
Other names: c.283G>A, p.Val95Ile (NM_001378355.1); short protein forms V95I.
Identifiers: ClinVar variation 963657 (VCV000963657.9), dbSNP rs1475262890, ClinGen allele CA406909753.